The following is an entry in ClinVar:

NM_000337.6(SGCD):c.455C>T (p.Ala152Val)

Gene: SGCD (sarcoglycan delta; plus strand). Cytogenetic location: 5q33.3.
Variant type: single nucleotide variant.
Coding change: c.455C>T on transcript NM_000337.6 (MANE Select); coding-DNA position 455, C replaced by T.
Protein change: p.Ala152Val; replaces alanine 152 with valine.
Molecular consequence: missense variant.
Genome position (GRCh38, 1-based): chr5:156,595,004, C>T. VCF-style: chr5-156595004-C-T. GRCh37 (hg19) VCF-style: chr5-156022014-C-T.
Other names: c.452C>T, p.Ala151Val (NM_001128209.2); c.455C>T, p.Ala152Val (NM_172244.3); short protein forms A151V, A152V.
Identifiers: ClinVar variation 4864377 (VCV004864377.1).

ClinVar aggregate classification (germline): Uncertain significance (1 of 4 stars; one submission).

Conditions:
Inborn genetic diseases. Identifiers: MedGen C0950123, MeSH D030342.

Submission:

Ambry Genetics
Classification: Uncertain significance for Inborn genetic diseases. Last evaluated: 2026-04-27. Review status: criteria provided, single submitter. Criteria: Ambry Variant Classification Scheme 2023. Collection method: clinical testing. Allele origin: germline.
Comment: The p.A152V variant (also known as c.455C>T), located in coding exon 5 of the SGCD gene, results from a C to T substitution at nucleotide position 455. The alanine at codon 152 is replaced by valine, an amino acid with similar properties. This amino acid position is conserved. In addition, this alteration is predicted to be deleterious by in silico analysis. Based on the available evidence, the clinical significance of this variant remains unclear.